The following is an entry in ClinVar:

ClinVar aggregate classification (germline): Benign/Likely benign. Review status: criteria provided, multiple submitters, no conflicts (2 of 4 stars). 3 submissions from 3 submitters: Benign (1); Likely benign (1). 1 of the submissions does not count toward it. Last evaluated 2025-10-20.

Conditions:
MAP2K1-related disorder. Also called: MAP2K1-related condition; MAP2K1-related disorders.
RASopathy. Also called: Noonan spectrum disorder; rasopathies. Identifiers: Orphanet 536391, MedGen C5555857, MONDO:0021060.

Allele frequency attached by ClinVar (database versions not stated): gnomAD exomes 0.00003; ExAC 0.00004.
gnomAD v4.1: 11 of 1,613,700 alleles (0.00068%); highest among the groups gnomAD compares: Admixed American, 0.013%; no homozygotes.

Submissions (3):

Labcorp Genetics (formerly Invitae), Labcorp
Classification: Likely benign for RASopathy. Last evaluated: 2025-10-20. Review status: criteria provided, single submitter. Criteria: Invitae Variant Classification Sherloc (09022015). Collection method: clinical testing. Allele origin: germline.

GeneDx
Classification: Benign. Last evaluated: 2015-03-03. Review status: criteria provided, single submitter. Criteria: GeneDx Variant Classification Process June 2021. Collection method: clinical testing. Allele origin: germline. Affected: yes.

PreventionGenetics, part of Exact Sciences
Classification: Likely benign for MAP2K1-related condition. Last evaluated: 2019-10-01. Review status: no assertion criteria provided. Collection method: clinical testing. Allele origin: germline. Not counted in ClinVar's aggregate classification.
Comment: This variant is classified as likely benign based on ACMG/AMP sequence variant interpretation guidelines (Richards et al. 2015 PMID: 25741868, with internal and published modifications).

NM_002755.4(MAP2K1):c.276G>C (p.Leu92=)

Gene: MAP2K1 (mitogen-activated protein kinase kinase 1; plus strand). Cytogenetic location: 15q22.31.
Variant type: single nucleotide variant.
Coding change: c.276G>C on transcript NM_002755.4 (MANE Select); coding-DNA position 276, G replaced by C.
Protein change: p.Leu92=; no amino-acid change (leucine 92 retained).
Molecular consequence: synonymous variant.
Genome position (GRCh38, 1-based): chr15:66,435,222, G>C. VCF-style: chr15-66435222-G-C. GRCh37 (hg19) VCF-style: chr15-66727560-G-C.
Other names: p.L92L.
Identifiers: ClinVar variation 40783 (VCV000040783.13), dbSNP rs377323150, ClinGen allele CA7623884.
Genomic context (GRCh38, chr15:66,435,222, plus strand): 5'-TGAGCTGGGGGCTGGCAATGGCGGTGTGGTGTTCAAGGTCTCCCACAAGCCTTCTGGCCT[G>C]GTCATGGCCAGAAAGGTGAGTTTGCCTTGATTAACAGGTAATTGGATTATTTCTCAGGGT-3'
Protein context (NP_002746.1, residues 82-102): VFKVSHKPSG[Leu92=]VMARKLIHLE